The following is an entry in ClinVar:

ClinVar aggregate classification (germline): Conflicting classifications of pathogenicity. Review status: criteria provided, conflicting classifications (1 of 4 stars). 4 submissions from 4 submitters: Uncertain significance (2); Likely benign (2). Last evaluated 2025-03-30.

Conditions:
Hereditary cancer-predisposing syndrome. Also called: Neoplastic Syndromes, Hereditary; Tumor predisposition; Hereditary neoplastic syndrome; Hereditary Cancer Syndrome. Identifiers: Orphanet 140162, MedGen C0027672, MeSH D009386, MONDO:0015356.
Hereditary nonpolyposis colorectal neoplasms. Identifiers: MedGen C0009405, MeSH D003123.
Lynch syndrome 4 (LYNCH4). Also called: Colorectal cancer, hereditary nonpolyposis, type 4; Hereditary non-polyposis colorectal cancer, type 4. Identifiers: Orphanet 144, MedGen C1838333, MONDO:0013699, OMIM 614337. Disease mechanism: loss of function.

Allele frequency attached by ClinVar (database versions not stated): TOPMed below 0.00001.

Submissions (4):

Labcorp Genetics (formerly Invitae), Labcorp
Classification: Likely benign for Hereditary nonpolyposis colorectal neoplasms. Last evaluated: 2025-03-30. Review status: criteria provided, single submitter. Criteria: Invitae Variant Classification Sherloc (09022015). Collection method: clinical testing. Allele origin: germline.

Myriad Genetics, Inc.
Classification: Likely benign for Lynch syndrome 4. Last evaluated: 2025-01-28. Review status: criteria provided, single submitter. Criteria: Myriad Autosomal Dominant, Autosomal Recessive and X-Linked Classification Criteria (2023). Collection method: clinical testing. Allele origin: unknown.
Comment: This variant is considered likely benign. This variant is intronic and is not expected to impact mRNA splicing.

Ambry Genetics
Classification: Uncertain significance for Hereditary cancer-predisposing syndrome. Last evaluated: 2023-09-01. Review status: criteria provided, single submitter. Criteria: Ambry Variant Classification Scheme 2023. Collection method: clinical testing. Allele origin: germline.
Comment: The c.804-4A>C intronic variant results from an A to C substitution 4 nucleotides upstream from coding exon 8 in the PMS2 gene. This nucleotide position is not well conserved in available vertebrate species. In silico splice site analysis for this alteration is inconclusive. Since supporting evidence is limited at this time, the clinical significance of this alteration remains unclear.

Color Diagnostics, LLC DBA Color Health
Classification: Uncertain significance for Hereditary cancer-predisposing syndrome. Last evaluated: 2021-12-13. Review status: criteria provided, single submitter. Criteria: ACMG Guidelines, 2015. Collection method: clinical testing. Allele origin: germline.
Comment: This variant causes an A to C nucleotide substitution at the -4 position of intron 7 of the PMS2 gene. To our knowledge, functional studies have not been reported for this variant. This variant has not been reported in individuals affected with hereditary cancer in the literature. This variant has not been identified in the general population by the Genome Aggregation Database (gnomAD). The available evidence is insufficient to determine the role of this variant in disease conclusively. Therefore, this variant is classified as a Variant of Uncertain Significance.

NM_000535.7(PMS2):c.804-4A>C

Gene: PMS2 (PMS1 homolog 2, mismatch repair system component; minus strand). Cytogenetic location: 7p22.1.
Variant type: single nucleotide variant.
Coding change: c.804-4A>C on transcript NM_000535.7 (MANE Select); 4 bases into the intron before coding-DNA position 804, A replaced by C.
Molecular consequence: intron variant.
Genome position (GRCh38, 1-based): chr7:5,995,637, T>G on the plus strand (A>C on the coding strand, the complement: PMS2 is on the minus strand). VCF-style: chr7-5995637-T-G. GRCh37 (hg19) VCF-style: chr7-6035268-T-G.
Other names: c.486-4A>C (NM_001322008.2, NM_001322007.2); c.399-4A>C (NM_001322010.2, NM_001322004.2, NM_001322003.2 and 2 more transcripts); c.231-4A>C (NM_001322013.2); c.-130-4A>C (NM_001322012.2, NM_001322011.2); c.495-4A>C (NM_001322015.2); c.804-4A>C (NM_001322006.2, NM_001322014.2, NM_000535.5).
Identifiers: ClinVar variation 628495 (VCV000628495.12), dbSNP rs1475598645, ClinGen allele CA840185458.